The following is an entry in ClinVar:

NM_003070.5(SMARCA2):c.1235C>A (p.Ser412Tyr)

Gene: SMARCA2 (SWI/SNF related BAF chromatin remodeling complex subunit ATPase 2; plus strand). Cytogenetic location: 9p24.3.
Variant type: single nucleotide variant.
Coding change: c.1235C>A on transcript NM_003070.5 (MANE Select); coding-DNA position 1235, C replaced by A.
Protein change: p.Ser412Tyr; replaces serine 412 with tyrosine.
Molecular consequence: missense variant.
Genome position (GRCh38, 1-based): chr9:2,056,733, C>A. VCF-style: chr9-2056733-C-A. GRCh37 (hg19) VCF-style: chr9-2056733-C-A.
Other names: c.1235C>A, p.Ser412Tyr (NM_001289396.2, NM_001289397.2, NM_139045.4); short protein forms S412Y.
Identifiers: ClinVar variation 1707742 (VCV001707742.2), dbSNP rs1820371723, ClinGen allele CA372781663.
Genomic context (GRCh38, chr9:2,056,733, plus strand): 5'-TGAGACAGGAGGTGGTGGCCTGCATGCGCAGGGACACGACCCTGGAGACGGCTCTCAACT[C>A]CAAAGCATACAAACGGAGCAAGCGCCAGACTCTGAGAGAAGCTCGCATGACCGAGAAGCT-3'
Protein context (NP_003061.3, residues 402-422): RDTTLETALN[Ser412Tyr]KAYKRSKRQT

ClinVar aggregate classification (germline): Uncertain significance (1 of 4 stars; one submission).

Submission:

GeneDx
Classification: Uncertain significance. Last evaluated: 2022-03-30. Review status: criteria provided, single submitter. Criteria: GeneDx Variant Classification Process June 2021. Collection method: clinical testing. Allele origin: germline. Affected: yes.
Comment: Not observed at significant frequency in large population cohorts (gnomAD); In silico analysis supports that this missense variant does not alter protein structure/function; Has not been previously published as pathogenic or benign to our knowledge